The following is an entry in ClinVar:

ClinVar aggregate classification (germline): Likely pathogenic (1 of 4 stars; one submission).

Conditions:
Rubinstein-Taybi syndrome due to EP300 haploinsufficiency. Also called: EP300-Related Rubinstein-Taybi Syndrome; RUBINSTEIN-TAYBI SYNDROME 2. Identifiers: Orphanet 353284, Orphanet 783, MedGen C3150941, MONDO:0013364, OMIM 613684.

Submission:

Daryl Scott Lab, Baylor College of Medicine
Classification: Likely pathogenic for Rubinstein-Taybi syndrome due to EP300 haploinsufficiency. Last evaluated: 2024-01-01. Review status: criteria provided, single submitter. Criteria: ACMG Guidelines, 2015. Collection method: clinical testing. Allele origin: de novo. Affected: yes. Observed: 1 heterozygote.
Comment: PS2, PM2, PP3

NM_001429.4(EP300):c.4879C>T (p.Arg1627Trp)

Gene: EP300 (EP300 lysine acetyltransferase; plus strand). Cytogenetic location: 22q13.2.
Variant type: single nucleotide variant.
Coding change: c.4879C>T on transcript NM_001429.4 (MANE Select); coding-DNA position 4879, C replaced by T.
Protein change: p.Arg1627Trp; replaces arginine 1627 with tryptophan.
Molecular consequence: missense variant.
Genome position (GRCh38, 1-based): chr22:41,176,346, C>T. VCF-style: chr22-41176346-C-T. GRCh37 (hg19) VCF-style: chr22-41572350-C-T.
Other names: c.4801C>T, p.Arg1601Trp (NM_001362843.2); short protein forms R1601W, R1627W.
Identifiers: ClinVar variation 3764638 (VCV003764638.1).
Genomic context (GRCh38, chr22:41,176,346, plus strand): 5'-AACTCCCTGCCTCCCATTGTTGATCCTGATCCTCTCATCCCCTGCGATCTGATGGATGGT[C>T]GGGATGCGTTTCTCACGCTGGCAAGGGACAAGCACCTGGAGTTCTCTTCACTCCGAAGAG-3'
Protein context (NP_001420.2, residues 1617-1637): PLIPCDLMDG[Arg1627Trp]DAFLTLARDK